The following is an entry in ClinVar:

ClinVar aggregate classification (germline): Uncertain significance. Review status: criteria provided, multiple submitters, no conflicts (2 of 4 stars). 2 submissions from 2 submitters: Uncertain significance (2). Last evaluated 2021-10-27.

Conditions:
Spastic paraplegia. Identifiers: MedGen C0037772, HP:0001258.

gnomAD v4.1: 2 of 1,613,528 alleles (0.00012%); highest among the groups gnomAD compares: Non-Finnish European, 0.00017%; no homozygotes.

Submissions (2):

Labcorp Genetics (formerly Invitae), Labcorp
Classification: Uncertain significance for Spastic paraplegia. Last evaluated: 2021-10-27. Review status: criteria provided, single submitter. Criteria: Invitae Variant Classification Sherloc (09022015). Collection method: clinical testing. Allele origin: germline.
Comment: In summary, the available evidence is currently insufficient to determine the role of this variant in disease. Therefore, it has been classified as a Variant of Uncertain Significance. Algorithms developed to predict the effect of missense changes on protein structure and function (SIFT, PolyPhen-2, Align-GVGD) all suggest that this variant is likely to be disruptive. ClinVar contains an entry for this variant (Variation ID: 995274). This variant has not been reported in the literature in individuals affected with CYP7B1-related conditions. This variant is not present in population databases (gnomAD no frequency). This sequence change replaces aspartic acid, a(n) acidic and polar amino acid, with tyrosine, a(n) neutral and polar amino acid, at codon 279 of the CYP7B1 protein (p.Asp279Tyr).

Athena Diagnostics
Classification: Uncertain significance. Last evaluated: 2020-09-11. Review status: criteria provided, single submitter. Criteria: Athena Diagnostics criteria. Collection method: clinical testing. Allele origin: unknown.

NM_004820.5(CYP7B1):c.835G>T (p.Asp279Tyr)

Gene: CYP7B1 (cytochrome P450 family 7 subfamily B member 1; minus strand). Cytogenetic location: 8q12.3.
Variant type: single nucleotide variant.
Coding change: c.835G>T on transcript NM_004820.5 (MANE Select); coding-DNA position 835, G replaced by T.
Protein change: p.Asp279Tyr; replaces aspartic acid 279 with tyrosine.
Molecular consequence: missense variant.
Genome position (GRCh38, 1-based): chr8:64,615,706, C>A on the plus strand (G>T on the coding strand, the complement: CYP7B1 is on the minus strand). VCF-style: chr8-64615706-C-A. GRCh37 (hg19) VCF-style: chr8-65528263-C-A.
Other names: c.835G>T, p.Asp279Tyr (NM_001324112.2); short protein forms D279Y.
Identifiers: ClinVar variation 995274 (VCV000995274.7), dbSNP rs766759427, ClinGen allele CA371334862.